The following is an entry in ClinVar:

NM_003718.5(CDK13):c.1462A>C (p.Lys488Gln)

Gene: CDK13 (cyclin dependent kinase 13; plus strand). Cytogenetic location: 7p14.1.
Variant type: single nucleotide variant.
Coding change: c.1462A>C on transcript NM_003718.5 (MANE Select); coding-DNA position 1462, A replaced by C.
Protein change: p.Lys488Gln; replaces lysine 488 with glutamine.
Molecular consequence: missense variant.
Genome position (GRCh38, 1-based): chr7:39,987,849, A>C. VCF-style: chr7-39987849-A-C. GRCh37 (hg19) VCF-style: chr7-40027448-A-C.
Other names: c.1462A>C, p.Lys488Gln (NM_031267.4); short protein forms K488Q.
Identifiers: ClinVar variation 4993517 (VCV004993517.1).

ClinVar aggregate classification (germline): Uncertain significance (1 of 4 stars; one submission).

Conditions:
CDK13-related disorder. Also called: CDK13-related condition. Identifiers: MedGen C5816700.

Submission:

PreventionGenetics, part of Exact Sciences
Classification: Uncertain significance for CDK13-related condition. Last evaluated: 2026-09-11. Review status: criteria provided, single submitter. Criteria: ACMG Guidelines, 2015. Collection method: clinical testing. Allele origin: germline.
Comment: The CDK13 c.1462A>C variant is predicted to result in the amino acid substitution p.Lys488Gln. To our knowledge, this variant has not been reported in the literature or in a large population database (gnomAD), indicating this variant is rare. At this time, the clinical significance of this variant is uncertain due to the absence of conclusive functional and genetic evidence.